The following is an entry in ClinVar:

NM_000183.3(HADHB):c.589T>C (p.Ser197Pro)

Gene: HADHB (hydroxyacyl-CoA dehydrogenase trifunctional multienzyme complex subunit beta; plus strand). Cytogenetic location: 2p23.3.
Variant type: single nucleotide variant.
Coding change: c.589T>C on transcript NM_000183.3 (MANE Select); coding-DNA position 589, T replaced by C.
Protein change: p.Ser197Pro; replaces serine 197 with proline.
Molecular consequence: missense variant.
Genome position (GRCh38, 1-based): chr2:26,278,760, T>C. VCF-style: chr2-26278760-T-C. GRCh37 (hg19) VCF-style: chr2-26501628-T-C.
Other names: c.544T>C, p.Ser182Pro (NM_001281512.2); c.523T>C, p.Ser175Pro (NM_001281513.2); short protein forms S197P, S182P, S175P.
Identifiers: ClinVar variation 450898 (VCV000450898.43), dbSNP rs142475516, ClinGen allele CA1560273.

ClinVar aggregate classification (germline): Uncertain significance. Review status: criteria provided, multiple submitters, no conflicts (2 of 4 stars). 6 submissions from 6 submitters: Uncertain significance (6). Last evaluated 2025-09-01.

Conditions:
Inborn genetic diseases. Identifiers: MedGen C0950123, MeSH D030342.
Mitochondrial trifunctional protein deficiency. Identifiers: Orphanet 746, MedGen C1969443, MONDO:0012172.

Allele frequency attached by ClinVar (database versions not stated): gnomAD 0.00002 and 0.00003; TOPMed 0.00004; gnomAD exomes 0.00005 and 0.00008; ExAC 0.00007; ESP Exome Variant Server 0.00008; 1000 Genomes Project 30x 0.00016; 1000 Genomes Project 0.00020.
gnomAD v4.1: 81 of 1,614,158 alleles (0.005%); highest among the groups gnomAD compares: Non-Finnish European, 0.006%; no homozygotes.

Submissions (6):

Ambry Genetics
Classification: Uncertain significance for Inborn genetic diseases. Last evaluated: 2025-09-01. Review status: criteria provided, single submitter. Criteria: Ambry Variant Classification Scheme 2023. Collection method: clinical testing. Allele origin: germline.

Labcorp Genetics (formerly Invitae), Labcorp
Classification: Uncertain significance for Mitochondrial trifunctional protein deficiency. Last evaluated: 2025-01-29. Review status: criteria provided, single submitter. Criteria: Invitae Variant Classification Sherloc (09022015). Collection method: clinical testing. Allele origin: germline.
Comment: This sequence change replaces serine, which is neutral and polar, with proline, which is neutral and non-polar, at codon 197 of the HADHB protein (p.Ser197Pro). This variant is present in population databases (rs142475516, gnomAD 0.02%). This variant has not been reported in the literature in individuals affected with HADHB-related conditions. ClinVar contains an entry for this variant (Variation ID: 450898). An algorithm developed to predict the effect of missense changes on protein structure and function (PolyPhen-2) suggests that this variant¬†is likely to be tolerated. In summary, the available evidence is currently insufficient to determine the role of this variant in disease. Therefore, it has been classified as a Variant of Uncertain Significance.

CeGaT Center for Human Genetics Tuebingen
Classification: Uncertain significance. Last evaluated: 2023-11-01. Review status: criteria provided, single submitter. Criteria: CeGaT Center For Human Genetics Tuebingen Variant Classification Criteria Version 2. Collection method: clinical testing. Allele origin: germline. Affected: yes. Observed: 1 variant allele.
Comment: HADHB: PM2, PP4

Mayo Clinic Laboratories, Mayo Clinic
Classification: Uncertain significance. Last evaluated: 2020-05-21. Review status: criteria provided, single submitter. Criteria: ACMG Guidelines, 2015. Collection method: clinical testing. Allele origin: germline. Observed: 1 variant allele.

GeneDx
Classification: Uncertain significance. Last evaluated: 2020-02-14. Review status: criteria provided, single submitter. Criteria: GeneDx Variant Classification Process June 2021. Collection method: clinical testing. Allele origin: germline. Affected: yes.
Comment: In silico analysis supports that this missense variant does not alter protein structure/function; Has not been previously published as pathogenic or benign to our knowledge

Illumina Laboratory Services, Illumina
Classification: Uncertain significance for Mitochondrial trifunctional protein deficiency 1. Last evaluated: 2018-01-12. Review status: criteria provided, single submitter. Criteria: ICSL Variant Classification Criteria 13 December 2019. Collection method: clinical testing. Allele origin: germline.